The following is an entry in ClinVar:

ClinVar aggregate classification (germline): Benign/Likely benign. Review status: criteria provided, multiple submitters, no conflicts (2 of 4 stars). 2 submissions from 2 submitters: Benign (1); Likely benign (1). Last evaluated 2025-09-27.

Conditions:
Familial temporal lobe epilepsy 7. Identifiers: Orphanet 101046, MedGen C4225327, MONDO:0014639, OMIM 616436.
Norman-Roberts syndrome (LIS2). Also called: Lissencephaly 2 (Norman-Roberts type). Identifiers: Orphanet 89844, MedGen C0796089, MONDO:0009760, OMIM 257320.

Allele frequency attached by ClinVar (database versions not stated): gnomAD exomes 0.00001; ExAC 0.00002; gnomAD 0.00003; TOPMed 0.00003; ESP Exome Variant Server 0.00008.
gnomAD v4.1: 4 of 1,613,928 alleles (0.00025%); highest among the groups gnomAD compares: African/African-American, 0.0053%; no homozygotes.

Submissions (2):

Labcorp Genetics (formerly Invitae), Labcorp
Classification: Benign for Familial temporal lobe epilepsy 7; Norman-Roberts syndrome. Last evaluated: 2025-09-27. Review status: criteria provided, single submitter. Criteria: Invitae Variant Classification Sherloc (09022015). Collection method: clinical testing. Allele origin: germline.

GeneDx
Classification: Likely benign. Last evaluated: 2017-04-03. Review status: criteria provided, single submitter. Criteria: GeneDx Variant Classification (06012015). Collection method: clinical testing. Allele origin: germline. Affected: yes.
Comment: This variant is considered likely benign or benign based on one or more of the following criteria: it is a conservative change, it occurs at a poorly conserved position in the protein, it is predicted to be benign by multiple in silico algorithms, and/or has population frequency not consistent with disease.

NM_005045.4(RELN):c.4314A>T (p.Gly1438=)

Gene: RELN (reelin; minus strand). Cytogenetic location: 7q22.1.
Variant type: single nucleotide variant.
Coding change: c.4314A>T on transcript NM_005045.4 (MANE Select); coding-DNA position 4314, A replaced by T.
Protein change: p.Gly1438=; no amino-acid change (glycine 1438 retained).
Molecular consequence: synonymous variant.
Genome position (GRCh38, 1-based): chr7:103,574,289, T>A on the plus strand (A>T on the coding strand, the complement: RELN is on the minus strand). VCF-style: chr7-103574289-T-A. GRCh37 (hg19) VCF-style: chr7-103214736-T-A.
Other names: c.4314A>T, p.Gly1438= (NM_173054.3).
Identifiers: ClinVar variation 508363 (VCV000508363.10), dbSNP rs368010584, ClinGen allele CA4421542.
Genomic context (GRCh38, chr7:103,574,289, plus strand): 5'-GAGCTTCCCCTCAAACCTATCGAACATCTCATTGTGATTGGGGACATTTGACACACAGGT[T>A]CCTTGTGCAGCTTCAGAAAAAGAAATAGAGAGGAGAGATGCTTTGTTGGAATCATTCAAA-3'
Protein context (NP_005036.2, residues 1428-1448): FCDLGYTAAQ[Gly1438=]TCVSNVPNHN